The following is an entry in ClinVar:

NM_007294.4(BRCA1):c.607G>T (p.Glu203Ter)

Gene: BRCA1 (BRCA1 DNA repair associated; minus strand). Cytogenetic location: 17q21.31.
Variant type: single nucleotide variant.
Coding change: c.607G>T on transcript NM_007294.4 (MANE Select); coding-DNA position 607, G replaced by T.
Protein change: p.Glu203Ter; replaces glutamic acid 203 with a stop codon.
Molecular consequence: nonsense. On other transcripts: non-coding transcript variant (1).
Genome position (GRCh38, 1-based): chr17:43,095,909, C>A on the plus strand (G>T on the coding strand, the complement: BRCA1 is on the minus strand). VCF-style: chr17-43095909-C-A. GRCh37 (hg19) VCF-style: chr17-41247926-C-A.
Other names: c.466G>T, p.Glu156Ter (NM_001408454.1, NM_001408455.1, NM_001408456.1 and 43 more transcripts); c.463G>T, p.Glu155Ter (NM_001408462.1, NM_001408463.1, NM_001408464.1 and 26 more transcripts); c.607G>T, p.Glu203Ter (NM_001408472.1, NM_007300.4, NM_007304.2 and 59 more transcripts); c.604G>T, p.Glu202Ter (NM_001408473.1, NM_001407587.1, NM_001407590.1 and 41 more transcripts); c.397G>T, p.Glu133Ter (NM_001408478.1, NM_001408479.1, NM_001408480.1 and 27 more transcripts); c.394G>T, p.Glu132Ter (NM_001408491.1, NM_001408493.1, NM_001408490.1 and 12 more transcripts); c.226G>T, p.Glu76Ter (NM_001408510.1, NM_001407959.1, NM_001407960.1 and 1 more transcripts); c.598G>T, p.Glu200Ter (NM_001407646.1, NM_001407647.1, NM_001408408.1); and 4 more; short protein forms E156*, E203*, E158*, E177*, E200*, E75*, E176*, E202*.
Identifiers: ClinVar variation 2736598 (VCV002736598.4), dbSNP rs398122703, ClinGen allele CA10600891.
Genomic context (GRCh38, chr17:43,095,909, plus strand): 5'-TTTTTGCAGAATCCAAACTGATTTCATCCCTGGTTCCTTGAGGGGTGATTTGTAACAATT[C>A]TTGATCTCCCACACTATAGGGAAAAGACAGAGTCCTAATAAGAAACACTAGTTACATGTA-3'

ClinVar aggregate classification (germline): Uncertain significance. Review status: criteria provided, multiple submitters, no conflicts (2 of 4 stars). 2 submissions from 2 submitters: Uncertain significance (2). Last evaluated 2024-12-25.

Conditions:
Hereditary breast ovarian cancer syndrome. Also called: BRCA1- and BRCA2-Associated Hereditary Breast and Ovarian Cancer; Hereditary breast and/or ovarian cancer syndrome; Hereditary breast and ovarian cancer; Hereditary breast and ovarian cancer syndrome (HBOC); Breast and ovarian cancer; Hereditary breast and ovarian cancer syndrome. Identifiers: Orphanet 145, MedGen C0677776, MeSH D061325, MONDO:0003582. Disease mechanism: loss of function.

Submissions (2):

Quest Diagnostics Nichols Institute San Juan Capistrano
Classification: Uncertain significance. Last evaluated: 2024-12-25. Review status: criteria provided, single submitter. Criteria: Quest Diagnostics criteria. Collection method: clinical testing. Allele origin: unknown.
Comment: The BRCA1 c.607G>T (p.Glu203*) variant in exon 9 is predicted to cause the premature termination of BRCA1 protein synthesis. However, a functional BRCA1 isoform lacking exons 9 and 10 resulting from an in-frame deletion of 41 amino acids has been reported in the published literature. This isoform lacking exons 9 and 10 has been observed in the normal breast tissue and blood of reportedly healthy individuals (PMID: 24569164 (2014)). The c.607G>T (p.Glu203*) variant has been reported in an individual with breast cancer (PMID: 28486781 (2017)). This variant has not been reported in large, multi-ethnic general populations (Genome Aggregation Database). Based on the available information, we are unable to determine the clinical significance of this variant.

Labcorp Genetics (formerly Invitae), Labcorp
Classification: Uncertain significance for Hereditary breast ovarian cancer syndrome. Last evaluated: 2023-10-28. Review status: criteria provided, single submitter. Criteria: Invitae Variant Classification Sherloc (09022015). Collection method: clinical testing. Allele origin: germline.
Comment: This sequence change creates a premature translational stop signal (p.Glu203*) in the BRCA1 gene. Loss-of-function variants in BRCA1 are expected to be pathogenic (PMID: 20104584). However, an in-frame BRCA1 isoform lacking exons 8 and 9 (also known as exons 9 and 10) is highly expressed in blood from unaffected individuals and in normal breast tissue; this isoform may retain protein function and could functionally rescue loss-of-function variants within exons 8-9 (PMID: 24569164). This variant is not present in population databases (gnomAD no frequency). This premature translational stop signal has been observed in individual(s) with breast cancer (PMID: 28486781). Studies have shown that this premature translational stop signal is associated with inconclusive levels of altered splicing (Invitae). In summary, the available evidence is currently insufficient to determine the role of this variant in disease. Therefore, it has been classified as a Variant of Uncertain Significance.

Literature cited by the submitters: PubMed 28486781 (cited by Quest Diagnostics Nichols Institute San Juan Capistrano and Labcorp Genetics (formerly Invitae), Labcorp); PubMed 24569164 (cited by Quest Diagnostics Nichols Institute San Juan Capistrano and Labcorp Genetics (formerly Invitae), Labcorp); PubMed 20104584 (cited by Labcorp Genetics (formerly Invitae), Labcorp).